The following is an entry in ClinVar:

ClinVar aggregate classification (germline): Uncertain significance (1 of 4 stars; one submission).

Conditions:
Lipoic acid synthetase deficiency. Also called: HYPERGLYCINEMIA, LACTIC ACIDOSIS, AND SEIZURES. Identifiers: Orphanet 401859, MedGen C3280887, MONDO:0013762, OMIM 614462.

Allele frequency attached by ClinVar (database versions not stated): TOPMed 0.00002; gnomAD 0.00003 and 0.00004; ExAC 0.00001; ESP Exome Variant Server 0.00008; gnomAD exomes 0.00002.
gnomAD v4.1: 20 of 1,613,734 alleles (0.0012%); highest among the groups gnomAD compares: Middle Eastern, 0.016%; no homozygotes.

Submission:

Labcorp Genetics (formerly Invitae), Labcorp
Classification: Uncertain significance for Lipoic acid synthetase deficiency. Last evaluated: 2024-04-11. Review status: criteria provided, single submitter. Criteria: Invitae Variant Classification Sherloc (09022015). Collection method: clinical testing. Allele origin: germline.
Comment: This sequence change replaces arginine, which is basic and polar, with histidine, which is basic and polar, at codon 260 of the LIAS protein (p.Arg260His). This variant is present in population databases (rs367701436, gnomAD 0.005%). This variant has not been reported in the literature in individuals affected with LIAS-related conditions. ClinVar contains an entry for this variant (Variation ID: 938088). Advanced modeling of protein sequence and biophysical properties (such as structural, functional, and spatial information, amino acid conservation, physicochemical variation, residue mobility, and thermodynamic stability) performed at Invitae indicates that this missense variant is not expected to disrupt LIAS protein function with a negative predictive value of 80%. In summary, the available evidence is currently insufficient to determine the role of this variant in disease. Therefore, it has been classified as a Variant of Uncertain Significance.

NM_006859.4(LIAS):c.779G>A (p.Arg260His)

Gene: LIAS (lipoic acid synthetase; plus strand). Cytogenetic location: 4p14.
Variant type: single nucleotide variant.
Coding change: c.779G>A on transcript NM_006859.4 (MANE Select); coding-DNA position 779, G replaced by A.
Protein change: p.Arg260His; replaces arginine 260 with histidine.
Molecular consequence: missense variant.
Genome position (GRCh38, 1-based): chr4:39,470,060, G>A. VCF-style: chr4-39470060-G-A. GRCh37 (hg19) VCF-style: chr4-39471680-G-A.
Other names: c.650G>A, p.Arg217His (NM_001278590.2); c.470G>A, p.Arg157His (NM_001363700.2); c.779G>A, p.Arg260His (NM_194451.3); short protein forms R217H, R157H, R260H.
Identifiers: ClinVar variation 938088 (VCV000938088.9), dbSNP rs367701436, ClinGen allele CA2894774.
Genomic context (GRCh38, chr4:39,470,060, plus strand): 5'-CAGTCCTGCTGTTTTCCAGTAAGGTTCGTGATCCTCGGGCCAATTTTGATCAGTCCCTAC[G>A]TGTACTGAAACATGCCAAGAAGGTTCAGCCTGATGTTATTTCTAAAACATCTATAATGTT-3'
Protein context (NP_006850.2, residues 250-270): DPRANFDQSL[Arg260His]VLKHAKKVQP